The following is an entry in ClinVar:

ClinVar aggregate classification (germline): Conflicting classifications of pathogenicity. Review status: criteria provided, conflicting classifications (1 of 4 stars). 6 submissions from 6 submitters: Likely pathogenic (1); Uncertain significance (3). 2 of the submissions do not count toward it. Last evaluated 2026-08-21.

Conditions:
Inborn genetic diseases. Identifiers: MedGen C0950123, MeSH D030342.
Neurodevelopmental disorder with cataracts, poor growth, and dysmorphic facies. Identifiers: MedGen C5231414, MONDO:0032817, OMIM 618571.

Allele frequency attached by ClinVar (database versions not stated): gnomAD 0.00004 and 0.00003; gnomAD exomes 0.00023 and 0.00009; TOPMed 0.00008; ExAC 0.00025.
gnomAD v4.1: 134 of 1,613,702 alleles (0.0083%); highest among the groups gnomAD compares: Admixed American, 0.082%; 1 homozygote.

Submissions (6):

GeneDx
Classification: Uncertain significance. Last evaluated: 2026-08-21. Review status: criteria provided, single submitter. Criteria: GeneDx Variant Classification Process June 2021. Collection method: clinical testing. Allele origin: germline.
Comment: Reported as a variant of uncertain significance in a patient in the published literature with absent speech, abnormal gait, hypotonia and cataracts, who harbored a second INTS1 variant on the opposite allele (in trans) (PMID: 30622326); In silico analysis supports that this missense variant has a deleterious effect on protein structure/function; This variant is associated with the following publications: (PMID: 30622326, 34556655)

Daryl Scott Lab, Baylor College of Medicine
Classification: Uncertain significance for Neurodevelopmental disorder with cataracts, poor growth, and dysmorphic facies. Last evaluated: 2024-04-01. Review status: criteria provided, single submitter. Criteria: ACMG Guidelines, 2015. Collection method: clinical testing. Allele origin: paternal. Observed: 1 heterozygote.
Comment: PP1, PP3

Baylor Genetics
Classification: Likely pathogenic for Neurodevelopmental disorder with cataracts, poor growth, and dysmorphic facies. Last evaluated: 2021-05-07. Review status: criteria provided, single submitter. Criteria: ACMG Guidelines, 2015. Collection method: clinical testing. Allele origin: unknown.

Ambry Genetics
Classification: Uncertain significance for Inborn genetic diseases. Last evaluated: 2021-03-25. Review status: criteria provided, single submitter. Criteria: Ambry Variant Classification Scheme 2023. Collection method: clinical testing. Allele origin: germline.
Comment: The c.229C>T (p.R77C) alteration is located in exon 3 (coding exon 2) of the INTS1 gene. This alteration results from a C to T substitution at nucleotide position 229, causing the arginine (R) at amino acid position 77 to be replaced by a cysteine (C). The p.R77C alteration is predicted to be tolerated by in silico analysis. Based on insufficient or conflicting evidence, the clinical significance of this alteration remains unclear.

Shieh Lab, University of California, San Francisco
Classification: Pathogenic for NEURODEVELOPMENTAL DISORDER WITH CATARACTS, POOR GROWTH, AND DYSMORPHIC FACIES. Last evaluated: 2020-10-19. Review status: no assertion criteria provided. Collection method: research. Allele origin: germline. Affected: yes. Not counted in ClinVar's aggregate classification.

OMIM
Classification: Pathogenic for NEURODEVELOPMENTAL DISORDER WITH CATARACTS, POOR GROWTH, AND DYSMORPHIC FACIES. Last evaluated: 2019-09-11. Review status: no assertion criteria provided. Collection method: literature only. Allele origin: germline. Not counted in ClinVar's aggregate classification.

Literature cited by the submitters: PubMed 30622326 (cited by OMIM).

NM_001080453.3(INTS1):c.229C>T (p.Arg77Cys)

Gene: INTS1 (integrator complex subunit 1; minus strand). Cytogenetic location: 7p22.3.
Variant type: single nucleotide variant.
Coding change: c.229C>T on transcript NM_001080453.3 (MANE Select); coding-DNA position 229, C replaced by T.
Protein change: p.Arg77Cys; replaces arginine 77 with cysteine.
Molecular consequence: missense variant.
Genome position (GRCh38, 1-based): chr7:1,503,021, G>A on the plus strand (C>T on the coding strand, the complement: INTS1 is on the minus strand). VCF-style: chr7-1503021-G-A. GRCh37 (hg19) VCF-style: chr7-1542657-G-A.
Other names: short protein forms R77C.
Identifiers: ClinVar variation 689521 (VCV000689521.13), dbSNP rs200649090, ClinGen allele CA4120879.